The following is an entry in ClinVar:

NM_002485.5(NBN):c.979G>A (p.Gly327Ser)

Gene: NBN (nibrin; minus strand). Cytogenetic location: 8q21.3.
Variant type: single nucleotide variant.
Coding change: c.979G>A on transcript NM_002485.5 (MANE Select); coding-DNA position 979, G replaced by A.
Protein change: p.Gly327Ser; replaces glycine 327 with serine.
Molecular consequence: missense variant.
Genome position (GRCh38, 1-based): chr8:89,964,425, C>T on the plus strand (G>A on the coding strand, the complement: NBN is on the minus strand). VCF-style: chr8-89964425-C-T. GRCh37 (hg19) VCF-style: chr8-90976653-C-T.
Other names: c.733G>A, p.Gly245Ser (NM_001024688.3); short protein forms G245S, G327S.
Identifiers: ClinVar variation 2452401 (VCV002452401.3), dbSNP rs2488284097, ClinGen allele CA371656871.

ClinVar aggregate classification (germline): Uncertain significance (1 of 4 stars; one submission).

Conditions:
Hereditary cancer-predisposing syndrome. Also called: Neoplastic Syndromes, Hereditary; Tumor predisposition; Hereditary neoplastic syndrome; Hereditary Cancer Syndrome. Identifiers: Orphanet 140162, MedGen C0027672, MeSH D009386, MONDO:0015356.

Submission:

Ambry Genetics
Classification: Uncertain significance for Hereditary cancer-predisposing syndrome. Last evaluated: 2025-05-11. Review status: criteria provided, single submitter. Criteria: Ambry Variant Classification Scheme 2023. Collection method: clinical testing. Allele origin: germline.
Comment: The p.G327S variant (also known as c.979G>A), located in coding exon 8 of the NBN gene, results from a G to A substitution at nucleotide position 979. The glycine at codon 327 is replaced by serine, an amino acid with similar properties. This amino acid position is conserved. In addition, this alteration is predicted to be tolerated by in silico analysis. Since supporting evidence is limited at this time, the clinical significance of this alteration remains unclear.